The following is an entry in ClinVar:

NM_001369268.1(ACAN):c.1399G>A (p.Ala467Thr)

Gene: ACAN (aggrecan; plus strand). Cytogenetic location: 15q26.1.
Variant type: single nucleotide variant.
Coding change: c.1399G>A on transcript NM_001369268.1 (MANE Select); coding-DNA position 1399, G replaced by A.
Protein change: p.Ala467Thr; replaces alanine 467 with threonine.
Molecular consequence: missense variant.
Genome position (GRCh38, 1-based): chr15:88,845,852, G>A. VCF-style: chr15-88845852-G-A. GRCh37 (hg19) VCF-style: chr15-89389083-G-A.
Other names: c.1399G>A, p.Ala467Thr (NM_001135.4, NM_013227.4); short protein forms A467T.
Identifiers: ClinVar variation 1357606 (VCV001357606.8), dbSNP rs770829348, ClinGen allele CA7719534.

ClinVar aggregate classification (germline): Uncertain significance (1 of 4 stars; one submission).

gnomAD v4.1: 15 of 1,471,042 alleles (0.001%); highest among the groups gnomAD compares: South Asian, 0.0014%; no homozygotes.

Submission:

Labcorp Genetics (formerly Invitae), Labcorp
Classification: Uncertain significance. Last evaluated: 2025-12-08. Review status: criteria provided, single submitter. Criteria: Invitae Variant Classification Sherloc (09022015). Collection method: clinical testing. Allele origin: germline.
Comment: This sequence change replaces alanine, which is neutral and non-polar, with threonine, which is neutral and polar, at codon 467 of the ACAN protein (p.Ala467Thr). The frequency data for this variant in the population databases is considered unreliable, as metrics indicate poor data quality at this position in the gnomAD database. This variant has not been reported in the literature in individuals affected with ACAN-related conditions. ClinVar contains an entry for this variant (Variation ID: 1357606). Invitae Evidence Modeling of protein sequence and biophysical properties (such as structural, functional, and spatial information, amino acid conservation, physicochemical variation, residue mobility, and thermodynamic stability) indicates that this missense variant is not expected to disrupt ACAN protein function with a negative predictive value of 80%. In summary, the available evidence is currently insufficient to determine the role of this variant in disease. Therefore, it has been classified as a Variant of Uncertain Significance.